The following is an entry in ClinVar:

ClinVar aggregate classification (germline): Uncertain significance (1 of 4 stars; one submission).

gnomAD v4.1: 1 of 1,613,732 alleles (0.000062%); highest among the groups gnomAD compares: Non-Finnish European, 0.000085%; no homozygotes.

Submission:

Ambry Genetics
Classification: Uncertain significance. Last evaluated: 2024-10-29. Review status: criteria provided, single submitter. Criteria: Ambry Variant Classification Scheme 2023. Collection method: clinical testing. Allele origin: germline.
Comment: The p.M889V variant (also known as c.2665A>G), located in coding exon 22 of the BUB1 gene, results from an A to G substitution at nucleotide position 2665. The methionine at codon 889 is replaced by valine, an amino acid with highly similar properties. This amino acid position is conserved. In addition, this alteration is predicted to be tolerated by in silico analysis. Based on the available evidence, the clinical significance of this variant remains unclear.

NM_004336.5(BUB1):c.2665A>G (p.Met889Val)

Gene: BUB1 (BUB1 mitotic checkpoint serine/threonine kinase; minus strand). Cytogenetic location: 2q13.
Variant type: single nucleotide variant.
Coding change: c.2665A>G on transcript NM_004336.5 (MANE Select); coding-DNA position 2665, A replaced by G.
Protein change: p.Met889Val; replaces methionine 889 with valine.
Molecular consequence: missense variant. On other transcripts: intron variant (1).
Genome position (GRCh38, 1-based): chr2:110,641,425, T>C on the plus strand (A>G on the coding strand, the complement: BUB1 is on the minus strand). VCF-style: chr2-110641425-T-C. GRCh37 (hg19) VCF-style: chr2-111399002-T-C.
Other names: c.2605A>G, p.Met869Val (NM_001278616.2); c.2625+217A>G (NM_001278617.2); short protein forms M889V, M869V.
Identifiers: ClinVar variation 3483093 (VCV003483093.1).